The following is an entry in ClinVar:

ClinVar aggregate classification (germline): Uncertain significance (1 of 4 stars; one submission).

Submission:

GeneDx
Classification: Uncertain significance. Last evaluated: 2026-04-23. Review status: criteria provided, single submitter. Criteria: GeneDx Variant Classification Process June 2021. Collection method: clinical testing. Allele origin: germline.
Comment: Not observed at significant frequency in large population cohorts (gnomAD); In silico analysis supports that this missense variant has a deleterious effect on protein structure/function; Has not been previously published as pathogenic or benign to our knowledge

NM_032590.5(KDM2B):c.1628C>A (p.Ala543Glu)

Gene: KDM2B (lysine demethylase 2B; minus strand). Cytogenetic location: 12q24.31.
Variant type: single nucleotide variant.
Coding change: c.1628C>A on transcript NM_032590.5 (MANE Select); coding-DNA position 1628, C replaced by A.
Protein change: p.Ala543Glu; replaces alanine 543 with glutamic acid.
Molecular consequence: missense variant.
Genome position (GRCh38, 1-based): chr12:121,509,586, G>T on the plus strand (C>A on the coding strand, the complement: KDM2B is on the minus strand). VCF-style: chr12-121509586-G-T. GRCh37 (hg19) VCF-style: chr12-121947389-G-T.
Other names: c.1535C>A, p.Ala512Glu (NM_001005366.2, NM_001439025.1, NM_001439026.1); c.1724C>A, p.Ala575Glu (NM_001439014.1, NM_001439015.1); c.1706C>A, p.Ala569Glu (NM_001439016.1); c.1628C>A, p.Ala543Glu (NM_001439017.1, NM_001439018.1); c.1613C>A, p.Ala538Glu (NM_001439020.1); c.1595C>A, p.Ala532Glu (NM_001439021.1); c.1565C>A, p.Ala522Glu (NM_001439022.1, NM_001439023.1, NM_001439029.1); c.1517C>A, p.Ala506Glu (NM_001439028.1); short protein forms A506E, A512E, A522E, A532E, A538E, A543E, A569E, A575E.
Identifiers: ClinVar variation 5037625 (VCV005037625.1).